The following is an entry in ClinVar:

ClinVar aggregate classification (germline): Likely pathogenic (1 of 4 stars; one submission).

Conditions:
Hereditary breast ovarian cancer syndrome. Also called: BRCA1- and BRCA2-Associated Hereditary Breast and Ovarian Cancer; Hereditary breast and ovarian cancer; Hereditary breast and ovarian cancer syndrome (HBOC); Hereditary breast and/or ovarian cancer syndrome; Hereditary breast and ovarian cancer syndrome; Breast and ovarian cancer. Identifiers: Orphanet 145, MedGen C0677776, MeSH D061325, MONDO:0003582. Disease mechanism: loss of function.

Submission:

Genetics and Personalized Medicine Clinic, Tartu University Hospital
Classification: Likely pathogenic for Hereditary breast ovarian cancer syndrome. Last evaluated: 2022-01-01. Review status: criteria provided, single submitter. Criteria: ACMG Guidelines, 2015. Collection method: clinical testing. Allele origin: germline. Affected: no. Observed: 1 variant allele.
Comment: ATM c.2378dup (p.Ser794Glufs*4) is a frameshift variant introducing a premature stop codon, likely resulting in nonsense-mediated decay. Loss-of-function is a known mechanism for ATM-associated cancer susceptibility.

NM_000051.4(ATM):c.2378dup (p.Ser794fs)

Gene: ATM (ATM serine/threonine kinase; plus strand). Cytogenetic location: 11q22.3.
Variant type: Duplication.
Coding change: c.2378dup on transcript NM_000051.4 (MANE Select); coding-DNA position 2378, one base duplicated (A; older notation c.2378dupA).
Protein change: p.Ser794fs; shifts the reading frame from serine 794.
Molecular consequence: frameshift variant.
Genome position (GRCh38, 1-based): chr11:108,258,987, A duplicated; the last of 2 consecutive A bases (chr11:108,258,986-108,258,987); duplicating either gives the same sequence. VCF-style (leftmost placement, unchanged base first): chr11-108258985-G-GA. GRCh37 (hg19) VCF-style: chr11-108129712-G-GA.
Other names: c.2378dup, p.Ser794fs (NM_001351834.2); short protein forms S794fs.
Identifiers: ClinVar variation 4082380 (VCV004082380.1).